The following is an entry in ClinVar:

ClinVar aggregate classification (germline): Uncertain significance (1 of 4 stars; one submission).

Submission:

GeneDx
Classification: Uncertain significance. Last evaluated: 2024-09-13. Review status: criteria provided, single submitter. Criteria: GeneDx Variant Classification Process June 2021. Collection method: clinical testing. Allele origin: germline. Affected: yes.
Comment: Not observed at significant frequency in large population cohorts (gnomAD); In silico analysis indicates that this missense variant does not alter protein structure/function; Has not been previously published as pathogenic or benign to our knowledge

NM_006421.5(ARFGEF1):c.3272T>A (p.Phe1091Tyr)

Gene: ARFGEF1 (ARF guanine nucleotide exchange factor 1; minus strand). Cytogenetic location: 8q13.2.
Variant type: single nucleotide variant.
Coding change: c.3272T>A on transcript NM_006421.5 (MANE Select); coding-DNA position 3272, T replaced by A.
Protein change: p.Phe1091Tyr; replaces phenylalanine 1091 with tyrosine.
Molecular consequence: missense variant. On other transcripts: non-coding transcript variant (1).
Genome position (GRCh38, 1-based): chr8:67,238,360, A>T on the plus strand (T>A on the coding strand, the complement: ARFGEF1 is on the minus strand). VCF-style: chr8-67238360-A-T. GRCh37 (hg19) VCF-style: chr8-68150595-A-T.
Other names: c.3272T>A, p.Phe1091Tyr (NM_001413184.1, NM_001413185.1, NM_001413186.1 and 6 more transcripts); c.2672T>A, p.Phe891Tyr (NM_001413188.1, NM_001413193.1, NM_001413197.1); c.3266T>A, p.Phe1089Tyr (NM_001413190.1); c.1847T>A, p.Phe616Tyr (NM_001413196.1); short protein forms F1089Y, F1091Y, F616Y, F891Y.
Identifiers: ClinVar variation 3770047 (VCV003770047.1).